The following is an entry in ClinVar:

ClinVar aggregate classification (germline): Pathogenic/Likely pathogenic. Review status: criteria provided, multiple submitters, no conflicts (2 of 4 stars). 13 submissions from 13 submitters: Pathogenic (7); Likely pathogenic (3). 3 of the submissions do not count toward it. Last evaluated 2025-09-23.

Conditions:
Cranioectodermal dysplasia 2 (CED2). Identifiers: Orphanet 1515, MedGen C3150874, MONDO:0013323, OMIM 613610.
WDR35-related disorder. Also called: WDR35-related disorders; WDR35-related condition. Identifiers: MedGen CN239419.
Cranioectodermal dysplasia. Also called: Cranioectoderma; SENSENBRENNER SYNDROME. Identifiers: Orphanet 1515, MedGen C4551571, MONDO:0009032.
Jeune thoracic dystrophy. Also called: Jeune syndrome; Infantile thoracic dystrophy; Thoracic pelvic phalangeal dystrophy; Jeune's syndrome; Chondroectodermal dysplasia-like syndrome; Short-rib thoracic dysplasia. Identifiers: Orphanet 474, MedGen C0265275, MONDO:0018770.
Short-rib thoracic dysplasia 7 with or without polydactyly (SRTD7). Also called: Short rib polydactyly syndrome 5; SHORT-RIB THORACIC DYSPLASIA 7 WITH POLYDACTYLY. Identifiers: Orphanet 498497, Orphanet 93271, MedGen C3279792, MONDO:0013569, OMIM 614091.

Allele frequency attached by ClinVar (database versions not stated): gnomAD exomes 0.00016; ExAC 0.00018; gnomAD 0.00019; TOPMed 0.00009.
gnomAD v4.1: 181 of 1,573,428 alleles (0.012%); highest among the groups gnomAD compares: Non-Finnish European, 0.014%; no homozygotes.

Submissions (13):

GeneDx
Classification: Likely pathogenic. Last evaluated: 2025-09-23. Review status: criteria provided, single submitter. Criteria: GeneDx Variant Classification Process June 2021. Collection method: clinical testing. Allele origin: germline. Affected: yes.
Comment: Identified with a second WDR35 variant in patients with clinical features of WDR35-related ciliopathy referred for genetic testing at GeneDx and in published literature (PMID: 29068549, 22486404, 25914204, 28332779, 33421337, 38161384); Nonsense variant predicted to result in protein truncation or nonsense mediated decay in a gene for which loss of function is a known mechanism of disease; This variant is associated with the following publications: (PMID: 28332779, 31980526, 34426522, 31589614, 34421506, 29068549, 37895316, 38792657, 33421337, 35875935, 37230223, 38702915, 34490615, 38161384, 25914204, 22486404)

Labcorp Genetics (formerly Invitae), Labcorp
Classification: Pathogenic for Cranioectodermal dysplasia 2; Short-rib thoracic dysplasia 7 with or without polydactyly. Last evaluated: 2025-09-23. Review status: criteria provided, single submitter. Criteria: Invitae Variant Classification Sherloc (09022015). Collection method: clinical testing. Allele origin: germline.
Comment: This sequence change creates a premature translational stop signal (p.Leu641*) in the WDR35 gene. It is expected to result in an absent or disrupted protein product. Loss-of-function variants in WDR35 are known to be pathogenic (PMID: 22486404, 29068549). This variant is present in population databases (rs199952377, gnomAD 0.03%). This premature translational stop signal has been observed in individuals with cranioectodermal dysplasia, also known as Sensenbrenner syndrome (PMID: 22486404, 25914204, 28332779). ClinVar contains an entry for this variant (Variation ID: 65619). For these reasons, this variant has been classified as Pathogenic.

CeGaT Center for Human Genetics Tuebingen
Classification: Pathogenic. Last evaluated: 2025-04-01. Review status: criteria provided, single submitter. Criteria: CeGaT Center For Human Genetics Tuebingen Variant Classification Criteria Version 2. Collection method: clinical testing. Allele origin: germline. Affected: yes. Observed: 2 variant alleles.
Comment: WDR35: PVS1, PM2

Blueprint Genetics
Classification: Pathogenic for WDR35-related disorders. Last evaluated: 2024-10-14. Review status: criteria provided, single submitter. Criteria: ACMG Guidelines, 2015. Collection method: clinical testing. Allele origin: germline. Affected: yes. Observed: 5 variant alleles.

Fulgent Genetics
Classification: Pathogenic for Cranioectodermal dysplasia 2; Short-rib thoracic dysplasia 7 with or without polydactyly. Last evaluated: 2024-06-18. Review status: criteria provided, single submitter. Criteria: ACMG Guidelines, 2015. Collection method: clinical testing. Allele origin: germline.

Women's Health and Genetics/Laboratory Corporation of America, LabCorp
Classification: Pathogenic for WDR35-related disorder. Last evaluated: 2024-03-25. Review status: criteria provided, single submitter. Criteria: LabCorp Variant Classification Summary - May 2015. Collection method: clinical testing. Allele origin: germline.
Comment: Variant summary: WDR35 c.1922T>G (p.Leu641X) results in a premature termination codon, predicted to cause a truncation of the encoded protein or absence of the protein due to nonsense mediated decay, which are commonly known mechanisms for disease. The variant allele was found at a frequency of 0.00016 in 218956 control chromosomes. c.1922T>G has been reported in the literature in individuals affected with WDR35-Related Disorders (Li_2015). These data do not allow any conclusion about variant significance. To our knowledge, no experimental evidence demonstrating an impact on protein function has been reported. The following publication have been ascertained in the context of this evaluation (PMID: 25914204). ClinVar contains an entry for this variant (Variation ID: 65619). Based on the evidence outlined above, the variant was classified as pathogenic.

Baylor Genetics
Classification: Pathogenic for Cranioectodermal dysplasia 2. Last evaluated: 2023-05-26. Review status: criteria provided, single submitter. Criteria: ACMG Guidelines, 2015. Collection method: clinical testing. Allele origin: unknown.

Revvity Omics, Revvity
Classification: Pathogenic. Last evaluated: 2021-10-14. Review status: criteria provided, single submitter. Criteria: ACMG Guidelines, 2015. Collection method: clinical testing. Allele origin: germline.

Laboratory for Molecular Medicine, Mass General Brigham Personalized Medicine
Classification: Likely pathogenic for Cranioectodermal dysplasia. Last evaluated: 2018-03-12. Review status: criteria provided, single submitter. Criteria: LMM Criteria. Collection method: clinical testing. Allele origin: germline. Inheritance: Autosomal recessive inheritance. Observed: 1 variant allele.
Comment: The p.Leu641X variant in WDR35 has been reported in 3 compound heterozygous indi viduals with cranioectodermal dysplasia (Hoffer 2013, Li 2015, Walczak-Sztulpa 2 017) and has been reported in ClinVar (Variation ID #65619). This variant has al so been identified in 0.035% (37/105,800) of European chromosomes by the Genome Aggregation Database (gnomAD; dbSNP rs19995237 7). Although this variant has been seen in the general population, its frequency is low enough to be consistent with a recessive carrier frequency. This nonsens e variant leads to a premature termination codon at position 641 which is predic ted to lead to a truncated or absent protein. In summary, although additional st udies are required to fully establish its clinical significance, the p.Leu641X variant is likely pathogenic for cranioectodermal dysplasia in an autosomal rece ssive manner. ACMG/AMP Criteria applied: PVS1_Strong, PS3_Supporting, PM3_Suppor ting.

Illumina Laboratory Services, Illumina
Classification: Likely pathogenic for WDR35-Related Disorders. Last evaluated: 2017-04-27. Review status: criteria provided, single submitter. Criteria: ICSL Variant Classification Criteria 09 May 2019. Collection method: clinical testing. Allele origin: germline.
Comment: The WDR35 c.1922T>G (p.Leu641Ter) variant is a stop-gained variant that has been reported in two studies in which it was found in two individuals with cranioectodermal dysplasia, both in a compound heterozygous state with a missense variant (Hoffer et al. 2013; Li et al. 2015). The variant was absent from 300 control chromosomes but is reported at a frequency of 0.00039 in the European (non-Finnish) population of the Exome Aggregation Consortium. Due to the potential impact of stop-gained variants and the supporting evidence, the p.Leu641Ter variant is classified as likely pathogenic for WDR35-related disorders. This variant was observed by ICSL as part of a predisposition screen in an ostensibly healthy population.

OMIM
Classification: Pathogenic for CRANIOECTODERMAL DYSPLASIA 2. Last evaluated: 2018-03-30. Review status: no assertion criteria provided. Collection method: literature only. Allele origin: germline. Not counted in ClinVar's aggregate classification.

Dan Cohn Lab, University Of California Los Angeles
Classification: Pathogenic for Asphyxiating thoracic dystrophy. Last evaluated: 2017-06-01. Review status: no assertion criteria provided. Collection method: research. Allele origin: maternal. Affected: yes. Not counted in ClinVar's aggregate classification.

University of Washington Center for Mendelian Genomics, University of Washington
Classification: Likely pathogenic for asphyxiating thoracic dystrophy. Review status: no assertion criteria provided. Collection method: research. Allele origin: inherited. Affected: yes. Not counted in ClinVar's aggregate classification.

Literature cited by the submitters: PubMed 22486404 (cited by 4 submitters); PubMed 29068549 (cited by 3 submitters); PubMed 25914204 (cited by 5 submitters); PubMed 28332779 (cited by 3 submitters).

NM_020779.4(WDR35):c.1889T>G (p.Leu630Ter)

Gene: WDR35 (WD repeat domain 35; minus strand). Cytogenetic location: 2p24.1.
Variant type: single nucleotide variant.
Coding change: c.1889T>G on transcript NM_020779.4 (MANE Select); coding-DNA position 1889, T replaced by G.
Protein change: p.Leu630Ter; replaces leucine 630 with a stop codon.
Molecular consequence: nonsense.
Genome position (GRCh38, 1-based): chr2:19,941,796, A>C on the plus strand (T>G on the coding strand, the complement: WDR35 is on the minus strand). VCF-style: chr2-19941796-A-C. GRCh37 (hg19) VCF-style: chr2-20141557-A-C.
Other names: c.1922T>G, p.Leu641Ter (NM_001006657.2); short protein forms L641*, L630*.
Identifiers: ClinVar variation 65619 (VCV000065619.58), dbSNP rs199952377, ClinGen allele CA344941.